The following is an entry in ClinVar:

ClinVar aggregate classification (germline): Likely benign. Review status: criteria provided, single submitter (1 of 4 stars). 2 submissions from 2 submitters: Likely benign (1). 1 of the submissions does not count toward it. Last evaluated 2026-02-15.

Conditions:
Inborn genetic diseases. Identifiers: MedGen C0950123, MeSH D030342.
WT1-related disorder. Also called: WT1-related disorders. Identifiers: MedGen CN377814.

Submissions (2):

Ambry Genetics
Classification: Likely benign for Inborn genetic diseases. Last evaluated: 2026-02-15. Review status: criteria provided, single submitter. Criteria: Ambry Variant Classification Scheme 2023. Collection method: clinical testing. Allele origin: germline.

PreventionGenetics, part of Exact Sciences
Classification: Likely benign for WT1-related condition. Last evaluated: 2020-10-02. Review status: no assertion criteria provided. Collection method: clinical testing. Allele origin: germline. Not counted in ClinVar's aggregate classification.
Comment: This variant is classified as likely benign based on ACMG/AMP sequence variant interpretation guidelines (Richards et al. 2015 PMID: 25741868, with internal and published modifications).

NM_024426.6(WT1):c.1242G>A (p.Gln414=)

Gene: WT1 (WT1 transcription factor; minus strand). Cytogenetic location: 11p13.
Variant type: single nucleotide variant.
Coding change: c.1242G>A on transcript NM_024426.6 (MANE Select); coding-DNA position 1242, G replaced by A.
Protein change: p.Gln414=; no amino-acid change (glutamine 414 retained).
Molecular consequence: synonymous variant. On other transcripts: non-coding transcript variant (2).
Genome position (GRCh38, 1-based): chr11:32,396,279, C>T on the plus strand (G>A on the coding strand, the complement: WT1 is on the minus strand). VCF-style: chr11-32396279-C-T. GRCh37 (hg19) VCF-style: chr11-32417825-C-T.
Other names: c.1191G>A, p.Gln397= (NM_000378.6, NM_001407045.1, NM_001407048.1 and 1 more transcripts); c.591G>A, p.Gln197= (NM_001198551.2); c.540G>A, p.Gln180= (NM_001198552.2); c.54G>A, p.Gln18= (NM_001367854.1); c.1236G>A, p.Gln412= (NM_001407044.1); c.1242G>A, p.Gln414= (NM_001407046.1, NM_024424.5); c.1119G>A, p.Gln373= (NM_001407047.1); c.1068G>A, p.Gln356= (NM_001407050.1); and 2 more.
Identifiers: ClinVar variation 3032260 (VCV003032260.3), dbSNP rs2132939448, ClinGen allele CA473566864.
Genomic context (GRCh38, chr11:32,396,279, plus strand): 5'-ACCATGTTTGCCCAAGACTGGACAGCGGGCACACTTACCAGTGTGCTTCCTGCTGTGCAT[C>T]TGTAAGTGGGACAGCTTAAAATATCTCTTATTGCAGCCTGGGTAAGCACACATGAAGGGG-3'
Protein context (NP_077744.4, residues 404-424): NKRYFKLSHL[Gln414=]MHSRKHTGEK